The following is an entry in ClinVar:

NM_003718.5(CDK13):c.135_149dup (p.Pro51_Pro52insGlnLeuLeuGlnPro)

Gene: CDK13 (cyclin dependent kinase 13; plus strand). Cytogenetic location: 7p14.1.
Variant type: Duplication.
Coding change: c.135_149dup on transcript NM_003718.5 (MANE Select); coding-DNA positions 135 to 149, 15 bases duplicated (GCCGCAGCTCCTGCA).
Protein change: p.Pro51_Pro52insGlnLeuLeuGlnPro.
Molecular consequence: inframe indel (on NM_031267.4).
Genome position (GRCh38, 1-based): chr7:39,950,776-39,950,790, GCCGCAGCTCCTGCA duplicated; duplicating any 15 consecutive bases within chr7:39,950,767-39,950,790 gives the same sequence; the c. name uses the placement nearest the transcript's 3' end. VCF-style (leftmost placement, unchanged base first): chr7-39950766-C-CGCTCCTGCAGCCGCA. GRCh37 (hg19) VCF-style: chr7-39990365-C-CGCTCCTGCAGCCGCA.
Other names: c.135_149dup, p.Pro51_Pro52insGlnLeuLeuGlnPro (NM_031267.4).
Identifiers: ClinVar variation 2576177 (VCV002576177.4), dbSNP rs1184951605, ClinGen allele CA574230798.
Genomic context (GRCh38, chr7:39,950,766, plus strand): 5'-TGGAGGAACGCCGCAAGCGGAGGCGATTCCTGTCCCCTCAGCAGCCGCCGCTGCTGTTGC[C>CGCTCCTGCAGCCGCA]GCTCCTGCAGCCGCAGCTCCTGCAACCGCCGCCGCCCCCGCCGCCTCTGCTCTTCCTGGC-3'

ClinVar aggregate classification (germline): Uncertain significance. Review status: criteria provided, multiple submitters, no conflicts (2 of 4 stars). 2 submissions from 2 submitters: Uncertain significance (2). Last evaluated 2023-12-07.

Submissions (2):

Labcorp Genetics (formerly Invitae), Labcorp
Classification: Uncertain significance. Last evaluated: 2023-12-07. Review status: criteria provided, single submitter. Criteria: Invitae Variant Classification Sherloc (09022015). Collection method: clinical testing. Allele origin: germline.
Comment: This variant, c.135_149dup, results in the insertion of 5 amino acid(s) of the CDK13 protein (p.Gln47_Pro51dup), but otherwise preserves the integrity of the reading frame. This variant is present in population databases (no rsID available, gnomAD 0.003%). This variant has not been reported in the literature in individuals affected with CDK13-related conditions. ClinVar contains an entry for this variant (Variation ID: 2576177). In summary, the available evidence is currently insufficient to determine the role of this variant in disease. Therefore, it has been classified as a Variant of Uncertain Significance.

Institute for Clinical Genetics, University Hospital TU Dresden, University Hospital TU Dresden
Classification: Uncertain significance. Last evaluated: 2022-10-25. Review status: criteria provided, single submitter. Criteria: ACMG Guidelines, 2015. Collection method: clinical testing. Allele origin: maternal.
Comment: PM4, PM2_SUP